The following is an entry in ClinVar:

NM_000215.4(JAK3):c.2331C>A (p.Leu777=)

Gene: JAK3 (Janus kinase 3; minus strand). Cytogenetic location: 19p13.11.
Variant type: single nucleotide variant.
Coding change: c.2331C>A on transcript NM_000215.4 (MANE Select); coding-DNA position 2331, C replaced by A.
Protein change: p.Leu777=; no amino-acid change (leucine 777 retained).
Molecular consequence: synonymous variant.
Genome position (GRCh38, 1-based): chr19:17,834,590, G>T on the plus strand (C>A on the coding strand, the complement: JAK3 is on the minus strand). VCF-style: chr19-17834590-G-T. GRCh37 (hg19) VCF-style: chr19-17945399-G-T.
Identifiers: ClinVar variation 3771118 (VCV003771118.13).

ClinVar aggregate classification (germline): Likely benign (1 of 4 stars; one submission).

Submission:

CeGaT Center for Human Genetics Tuebingen
Classification: Likely benign. Last evaluated: 2024-12-01. Review status: criteria provided, single submitter. Criteria: CeGaT Center For Human Genetics Tuebingen Variant Classification Criteria Version 2. Collection method: clinical testing. Allele origin: germline. Affected: yes. Observed: 1 variant allele.
Comment: JAK3: BP4, BP7